The following is an entry in ClinVar:

ClinVar aggregate classification (germline): Uncertain significance (1 of 4 stars; one submission).

Conditions:
Fanconi anemia (FA). Also called: Fanconi's anemia. Identifiers: Orphanet 84, MedGen C0015625, MeSH D005199, MONDO:0019391.

Submission:

Labcorp Genetics (formerly Invitae), Labcorp
Classification: Uncertain significance for Fanconi anemia. Last evaluated: 2023-09-20. Review status: criteria provided, single submitter. Criteria: Invitae Variant Classification Sherloc (09022015). Collection method: clinical testing. Allele origin: germline.
Comment: This variant is not present in population databases (gnomAD no frequency). In summary, the available evidence is currently insufficient to determine the role of this variant in disease. Therefore, it has been classified as a Variant of Uncertain Significance. An algorithm developed to predict the effect of missense changes on protein structure and function (PolyPhen-2) suggests that this variant is likely to be disruptive. This variant has not been reported in the literature in individuals affected with FANCI-related conditions. This sequence change replaces glutamine, which is neutral and polar, with histidine, which is basic and polar, at codon 3 of the FANCI protein (p.Gln3His).

NM_001113378.2(FANCI):c.9G>C (p.Gln3His)

Gene: FANCI (FA complementation group I; plus strand). Cytogenetic location: 15q26.1.
Variant type: single nucleotide variant.
Coding change: c.9G>C on transcript NM_001113378.2 (MANE Select); coding-DNA position 9, G replaced by C.
Protein change: p.Gln3His; replaces glutamine 3 with histidine.
Molecular consequence: missense variant. On other transcripts: 5 prime UTR variant (1).
Genome position (GRCh38, 1-based): chr15:89,247,656, G>C. VCF-style: chr15-89247656-G-C. GRCh37 (hg19) VCF-style: chr15-89790887-G-C.
Other names: c.-266G>C (NM_001376910.1); c.9G>C, p.Gln3His (NM_001376911.1, NM_018193.3); short protein forms Q3H.
Identifiers: ClinVar variation 2917627 (VCV002917627.3), dbSNP rs2505399254, ClinGen allele CA393736284.